The following is an entry in ClinVar:

ClinVar aggregate classification (germline): Uncertain significance (1 of 4 stars; one submission).

Conditions:
Familial cancer of breast. Also called: Hereditary breast cancer; hereditary breast carcinoma; BREAST CANCER, FAMILIAL. Identifiers: Orphanet 227535, MedGen C0346153, MONDO:0016419, OMIM 114480. Disease mechanism: loss of function.

Submission:

Labcorp Genetics (formerly Invitae), Labcorp
Classification: Uncertain significance for Familial cancer of breast. Last evaluated: 2020-06-30. Review status: criteria provided, single submitter. Criteria: Invitae Variant Classification Sherloc (09022015). Collection method: clinical testing. Allele origin: germline.
Comment: This sequence change replaces glutamine with histidine at codon 358 of the CHEK2 protein (p.Gln358His). The glutamine residue is moderately conserved and there is a small physicochemical difference between glutamine and histidine. This variant is not present in population databases (ExAC no frequency). This variant has not been reported in the literature in individuals with CHEK2-related conditions. Algorithms developed to predict the effect of missense changes on protein structure and function (SIFT, PolyPhen-2, Align-GVGD) all suggest that this variant is likely to be tolerated, but these predictions have not been confirmed by published functional studies and their clinical significance is uncertain. In summary, the available evidence is currently insufficient to determine the role of this variant in disease. Therefore, it has been classified as a Variant of Uncertain Significance.

NM_007194.4(CHEK2):c.1074A>C (p.Gln358His)

Gene: CHEK2 (checkpoint kinase 2; minus strand). Cytogenetic location: 22q12.1.
Variant type: single nucleotide variant.
Coding change: c.1074A>C on transcript NM_007194.4 (MANE Select); coding-DNA position 1074, A replaced by C.
Protein change: p.Gln358His; replaces glutamine 358 with histidine.
Molecular consequence: missense variant. On other transcripts: intron variant (3).
Genome position (GRCh38, 1-based): chr22:28,696,922, T>G on the plus strand (A>C on the coding strand, the complement: CHEK2 is on the minus strand). VCF-style: chr22-28696922-T-G. GRCh37 (hg19) VCF-style: chr22-29092910-T-G.
Other names: c.1203A>C, p.Gln401His (NM_001005735.3); c.411A>C, p.Gln137His (NM_001257387.3, NM_001437942.1); c.873A>C, p.Gln291His (NM_001349956.3); c.1167A>C, p.Gln389His (NM_001438293.1); c.1009-1049A>C (NM_145862.3); c.1102-1049A>C (NM_001438295.1); c.1138-1049A>C (NM_001438294.1); short protein forms Q291H, Q358H, Q137H, Q401H, Q389H.
Identifiers: ClinVar variation 1045861 (VCV001045861.9), dbSNP rs2052607496, ClinGen allele CA411097552.